The following is an entry in ClinVar:

NM_006648.4(WNK2):c.4510G>A (p.Val1504Met)

Gene: WNK2 (WNK lysine deficient protein kinase 2; plus strand). Cytogenetic location: 9q22.31.
Variant type: single nucleotide variant.
Coding change: c.4510G>A on transcript NM_006648.4 (MANE Select); coding-DNA position 4510, G replaced by A.
Protein change: p.Val1504Met; replaces valine 1504 with methionine.
Molecular consequence: missense variant.
Genome position (GRCh38, 1-based): chr9:93,289,264, G>A. VCF-style: chr9-93289264-G-A. GRCh37 (hg19) VCF-style: chr9-96051546-G-A.
Other names: c.4621G>A, p.Val1541Met (NM_001282394.3); short protein forms V1504M, V1541M.
Identifiers: ClinVar variation 3982044 (VCV003982044.1).

ClinVar aggregate classification (germline): Uncertain significance (1 of 4 stars; one submission).

Submission:

Ambry Genetics
Classification: Uncertain significance. Last evaluated: 2025-05-16. Review status: criteria provided, single submitter. Criteria: Ambry Variant Classification Scheme 2023. Collection method: clinical testing. Allele origin: germline.
Comment: The p.V1504M variant (also known as c.4510G>A), located in coding exon 19 of the WNK2 gene, results from a G to A substitution at nucleotide position 4510. The valine at codon 1504 is replaced by methionine, an amino acid with highly similar properties. This amino acid position is conserved. In addition, this alteration is predicted to be tolerated by in silico analysis. Based on the available evidence, the clinical significance of this variant remains unclear.